The following is an entry in ClinVar:

ClinVar aggregate classification (germline): Uncertain significance (1 of 4 stars; one submission).

gnomAD v4.1: 5 of 1,613,706 alleles (0.00031%); highest among the groups gnomAD compares: African/African-American, 0.0027%; no homozygotes.

Submission:

Labcorp Genetics (formerly Invitae), Labcorp
Classification: Uncertain significance. Last evaluated: 2024-10-14. Review status: criteria provided, single submitter. Criteria: Invitae Variant Classification Sherloc (09022015). Collection method: clinical testing. Allele origin: germline.
Comment: This sequence change replaces leucine, which is neutral and non-polar, with phenylalanine, which is neutral and non-polar, at codon 435 of the FCHO1 protein (p.Leu435Phe). This variant is not present in population databases (gnomAD no frequency). This variant has not been reported in the literature in individuals affected with FCHO1-related conditions. An algorithm developed to predict the effect of missense changes on protein structure and function (PolyPhen-2) suggests that this variant is likely to be disruptive. In summary, the available evidence is currently insufficient to determine the role of this variant in disease. Therefore, it has been classified as a Variant of Uncertain Significance.

NM_015122.3(FCHO1):c.1303C>T (p.Leu435Phe)

Gene: FCHO1 (FCH and mu domain containing endocytic adaptor 1; plus strand). Cytogenetic location: 19p13.11.
Variant type: single nucleotide variant.
Coding change: c.1303C>T on transcript NM_015122.3 (MANE Select); coding-DNA position 1303, C replaced by T.
Protein change: p.Leu435Phe; replaces leucine 435 with phenylalanine.
Molecular consequence: missense variant. On other transcripts: non-coding transcript variant (24), intron variant (1).
Genome position (GRCh38, 1-based): chr19:17,778,180, C>T. VCF-style: chr19-17778180-C-T. GRCh37 (hg19) VCF-style: chr19-17888989-C-T.
Other names: c.1303C>T, p.Leu435Phe (NM_001161357.2, NM_001161358.2, NM_001384370.1 and 25 more transcripts); c.1153C>T, p.Leu385Phe (NM_001161359.2, NM_001384384.1, NM_001384385.1 and 2 more transcripts); c.1264C>T, p.Leu422Phe (NM_001384388.1, NM_001384389.1, NM_001384405.1); c.1228C>T, p.Leu410Phe (NM_001384390.1); c.1057+1909C>T (NM_001384407.1); c.1258C>T, p.Leu420Phe (NM_001384403.1); short protein forms L385F, L410F, L420F, L422F, L435F.
Identifiers: ClinVar variation 3714766 (VCV003714766.2).